The following is an entry in ClinVar:

ClinVar aggregate classification (germline): Likely benign. Review status: criteria provided, single submitter (1 of 4 stars). 2 submissions from 2 submitters: Likely benign (1). 1 of the submissions does not count toward it. Last evaluated 2024-10-04.

Conditions:
PIEZO2-related disorder. Also called: PIEZO2-related condition; PIEZO2-related disorders.

Allele frequency attached by ClinVar (database versions not stated): TOPMed 0.00004; 1000 Genomes Project 30x 0.00047; 1000 Genomes Project 0.00060; gnomAD 0.00080.

Submissions (2):

Blueprint Genetics
Classification: Likely benign. Last evaluated: 2024-10-04. Review status: criteria provided, single submitter. Criteria: ACMG Guidelines, 2015. Collection method: clinical testing. Allele origin: germline.

PreventionGenetics, part of Exact Sciences
Classification: Benign for PIEZO2-related condition. Last evaluated: 2019-06-17. Review status: no assertion criteria provided. Collection method: clinical testing. Allele origin: germline. Not counted in ClinVar's aggregate classification.
Comment: This variant is classified as benign based on ACMG/AMP sequence variant interpretation guidelines (Richards et al. 2015 PMID: 25741868, with internal and published modifications).

NM_001378183.1(PIEZO2):c.1882+10T>C

Gene: PIEZO2 (piezo type mechanosensitive ion channel component 2; minus strand). Cytogenetic location: 18p11.22.
Variant type: single nucleotide variant.
Coding change: c.1882+10T>C on transcript NM_001378183.1 (MANE Select); 10 bases into the intron after coding-DNA position 1882, T replaced by C.
Molecular consequence: intron variant.
Genome position (GRCh38, 1-based): chr18:10,791,191, A>G on the plus strand (T>C on the coding strand, the complement: PIEZO2 is on the minus strand). VCF-style: chr18-10791191-A-G. GRCh37 (hg19) VCF-style: chr18-10791189-A-G.
Other names: c.1882+10T>C (NM_022068.4, NM_001410871.1).
Identifiers: ClinVar variation 3034482 (VCV003034482.3), dbSNP rs189647277, ClinGen allele CA8892703.